The following is an entry in ClinVar:

ClinVar aggregate classification (germline): Uncertain significance (1 of 4 stars; one submission).

Conditions:
Cardiovascular phenotype. Identifiers: MedGen CN230736.

gnomAD v4.1: 1 of 1,614,134 alleles (0.000062%); highest among the groups gnomAD compares: South Asian, 0.0011%; no homozygotes.

Submission:

Ambry Genetics
Classification: Uncertain significance for Cardiovascular phenotype. Last evaluated: 2026-09-04. Review status: criteria provided, single submitter. Criteria: Ambry Variant Classification Scheme 2023. Collection method: clinical testing. Allele origin: germline.
Comment: The p.N658S variant (also known as c.1973A>G), located in coding exon 13 of the DSG2 gene, results from an A to G substitution at nucleotide position 1973. The asparagine at codon 658 is replaced by serine, an amino acid with highly similar properties. This amino acid position is conserved. In addition, this alteration is predicted to be tolerated by in silico analysis. Based on the available evidence, the clinical significance of this variant remains unclear.

NM_001943.5(DSG2):c.1973A>G (p.Asn658Ser)

Gene: DSG2 (desmoglein 2; plus strand). Cytogenetic location: 18q12.1.
Variant type: single nucleotide variant.
Coding change: c.1973A>G on transcript NM_001943.5 (MANE Select); coding-DNA position 1973, A replaced by G.
Protein change: p.Asn658Ser; replaces asparagine 658 with serine.
Molecular consequence: missense variant.
Genome position (GRCh38, 1-based): chr18:31,541,286, A>G. VCF-style: chr18-31541286-A-G. GRCh37 (hg19) VCF-style: chr18-29121249-A-G.
Other names: short protein forms N658S.
Identifiers: ClinVar variation 5035617 (VCV005035617.1).
Genomic context (GRCh38, chr18:31,541,286, plus strand): 5'-GAAAGGGCGCCAAAGGCTTTACCCCCATACCTGGCACCATAGAGATGCTGCATCCTTGGA[A>G]TAATGAAGGAGCACCACCTGAAGACAAGGTCAGTGGATCAGATGTCAATATGACTTGTCT-3'
Protein context (NP_001934.2, residues 648-668): PGTIEMLHPW[Asn658Ser]NEGAPPEDKV